The following is an entry in ClinVar:

NM_002609.4(PDGFRB):c.1716_1717insGAGCTGATCCGATGGAAGGTGATTGAGTCTGTG (p.Val572_Ser573insGluLeuIleArgTrpLysValIleGluSerVal)

Gene: PDGFRB (platelet derived growth factor receptor beta; minus strand). Cytogenetic location: 5q32.
Variant type: Microsatellite.
Coding change: c.1716_1717insGAGCTGATCCGATGGAAGGTGATTGAGTCTGTG on transcript NM_002609.4 (MANE Select); coding-DNA positions 1716 to 1717, GAGCTGATCCGATGGAAGGTGATTGAGTCTGTG inserted.
Protein change: p.Val572_Ser573insGluLeuIleArgTrpLysValIleGluSerVal.
Molecular consequence: inframe insertion.
Genome position: GRCh38: chr5:150,125,536-150,125,563. GRCh37 (hg19): chr5:149,505,099-149,505,126.
Other names: c.1524_1525insGAGCTGATCCGATGGAAGGTGATTGAGTCTGTG, p.Val508_Ser509insGluLeuIleArgTrpLysValIleGluSerVal (NM_001355016.2); c.1233_1234insGAGCTGATCCGATGGAAGGTGATTGAGTCTGTG, p.Val411_Ser412insGluLeuIleArgTrpLysValIleGluSerVal (NM_001355017.2).
Identifiers: ClinVar variation 973195 (VCV000973195.3), dbSNP rs1760270922.
Genomic context (GRCh38, chr5:150,125,535, plus strand): 5'-ACGTGGAGTCATAGGGCAGCTGCATGGGGTCCACGTAGATGTACTCATGGCCGTCAGAGC[T>TCACAGACTCAATCACCTTCCATCGGATCAGCTC]CACAGACTCAATCACCTTCCATCGGATCTCGTAACGTGGCTTCTGGAGGACCAACCCCAG-3'

ClinVar aggregate classification (germline): Pathogenic (1 of 4 stars; one submission).

Conditions:
Infantile myofibromatosis (IMF). Also called: Congenital generalized fibromatosis. Identifiers: Orphanet 2591, MedGen C0432284, MONDO:0016824.

Submission:

Demoulin lab, University of Louvain
Classification: Pathogenic for Infantile myofibromatosis. Last evaluated: 2018-08-10. Review status: criteria provided, single submitter. Criteria: Dachy G et al. (JAMA Dermatol 2019). Collection method: research. Allele origin: somatic. Affected: yes. Observed: 1 variant allele.
Comment: The mutation strongly activates PDGFRB signaling in in vitro assays (gain of function).

This gain-of-function mutation of PDGFRB is sensitive to tyrosine kinase inhibitor imatinib.